The following is an entry in ClinVar:

NM_001042492.3(NF1):c.5939C>G (p.Thr1980Arg)

Gene: NF1 (neurofibromin 1; plus strand). Cytogenetic location: 17q11.2.
Variant type: single nucleotide variant.
Coding change: c.5939C>G on transcript NM_001042492.3 (MANE Select); coding-DNA position 5939, C replaced by G.
Protein change: p.Thr1980Arg; replaces threonine 1980 with arginine.
Molecular consequence: missense variant.
Genome position (GRCh38, 1-based): chr17:31,334,964, C>G. VCF-style: chr17-31334964-C-G. GRCh37 (hg19) VCF-style: chr17-29661982-C-G.
Other names: c.5876C>G, p.Thr1959Arg (NM_000267.4); short protein forms T1959R, T1980R.
Identifiers: ClinVar variation 4883400 (VCV004883400.2).

ClinVar aggregate classification (germline): Uncertain significance (1 of 4 stars; one submission).

Submission:

Dasa
Classification: Uncertain significance. Last evaluated: 2025-06-16. Review status: criteria provided, single submitter. Criteria: DASA Assertion Criteria. Collection method: clinical testing. Allele origin: germline.
Comment: NM_001042492.3(NF1):c.5939C>G (p.Thr1980Arg) is a missense variant that results in the substitution of threonine with arginine. This variant is absent from population databases. The currently available literature and clinical evidence are not sufficient to establish a definitive association between this variant and the reported condition. Therefore, this variant is classified as a variant of uncertain significance.